The following is an entry in ClinVar:

NM_006015.6(ARID1A):c.1920+5G>A

Gene: ARID1A (AT-rich interaction domain 1A; plus strand). Cytogenetic location: 1p36.11.
Variant type: single nucleotide variant.
Coding change: c.1920+5G>A on transcript NM_006015.6 (MANE Select); 5 bases into the intron after coding-DNA position 1920, G replaced by A.
Molecular consequence: intron variant.
Genome position (GRCh38, 1-based): chr1:26,732,797, G>A. VCF-style: chr1-26732797-G-A. GRCh37 (hg19) VCF-style: chr1-27059288-G-A.
Other names: c.1920+5G>A (LRG_875t1, NM_139135.4).
Identifiers: ClinVar variation 423667 (VCV000423667.3), dbSNP rs1064796564, ClinGen allele CA16617132.

ClinVar aggregate classification (germline): Likely pathogenic. Review status: criteria provided, multiple submitters, no conflicts (2 of 4 stars). 2 submissions from 2 submitters: Likely pathogenic (2). Last evaluated 2024-10-28.

Conditions:
Intellectual disability, autosomal dominant 14 (CSS2). Also called: COFFIN-SIRIS SYNDROME 2. Identifiers: Orphanet 1465, MedGen C3553247, MONDO:0013819, OMIM 614607.

Submissions (2):

Greenwood Genetic Center Diagnostic Laboratories, Greenwood Genetic Center
Classification: Likely pathogenic for Intellectual disability, autosomal dominant 14. Last evaluated: 2024-10-28. Review status: criteria provided, single submitter. Criteria: ACMG Guidelines, 2015. Collection method: clinical testing. Allele origin: germline. Affected: yes.
Comment: PS2, PM2, PP3

GeneDx
Classification: Likely pathogenic. Last evaluated: 2017-02-17. Review status: criteria provided, single submitter. Criteria: GeneDx Variant Classification (06012015). Collection method: clinical testing. Allele origin: germline. Affected: yes.
Comment: The c.1920+5G>A variant in the ARID1A gene has not been reported previously as a pathogenic variant nor as a benign variant, to our knowledge. This splice site variant destroys the natural splice donor site in intron 4, which is predicted to cause abnormal gene splicing resulting in an in-frame protein product with an abnormal message. However, in the absence of RNA/functional studies, the actual effect of c.1920+5G>A in this individual is unknown. Additionally, the c.1920+5G>A variant is not observed in large population cohorts (Lek et al., 2016; 1000 Genomes Consortium et al., 2015; Exome Variant Server). Therefore, we interpret c.1920+5G>A as a likely pathogenic variant